The following is an entry in ClinVar:

NM_198282.4(STING1):c.758G>A (p.Arg253Gln)

Gene: STING1 (stimulator of interferon response cGAMP interactor 1; minus strand). Cytogenetic location: 5q31.2.
Variant type: single nucleotide variant.
Coding change: c.758G>A on transcript NM_198282.4 (MANE Select); coding-DNA position 758, G replaced by A.
Protein change: p.Arg253Gln; replaces arginine 253 with glutamine.
Molecular consequence: missense variant.
Genome position (GRCh38, 1-based): chr5:139,478,271, C>T on the plus strand (G>A on the coding strand, the complement: STING1 is on the minus strand). VCF-style: chr5-139478271-C-T. GRCh37 (hg19) VCF-style: chr5-138857856-C-T.
Other names: c.758G>A (NM_198282.2); c.758G>A, p.Arg253Gln (NM_001301738.2); c.401G>A, p.Arg134Gln (NM_001367258.1); short protein forms R134Q, R253Q.
Identifiers: ClinVar variation 951442 (VCV000951442.13), dbSNP rs148833313, ClinGen allele CA3435331.

ClinVar aggregate classification (germline): Conflicting classifications of pathogenicity. Review status: criteria provided, conflicting classifications (1 of 4 stars). 4 submissions from 4 submitters: Uncertain significance (2); Likely benign (2). Last evaluated 2025-10-29.

Conditions:
Inborn genetic diseases. Identifiers: MedGen C0950123, MeSH D030342.
Autoinflammatory syndrome. Identifiers: Orphanet 93665, MedGen C3890737, MONDO:0019751.
STING-associated vasculopathy with onset in infancy. Also called: Sting-associated vasculopathy, infantile-onset. Identifiers: Orphanet 425120, MedGen C4014722, MONDO:0014405, OMIM 615934.

Allele frequency attached by ClinVar (database versions not stated): ExAC 0.00008; ESP Exome Variant Server 0.00008; gnomAD 0.00017 and 0.00018; TOPMed 0.00019.
gnomAD v4.1: 426 of 1,611,418 alleles (0.026%); highest among the groups gnomAD compares: Non-Finnish European, 0.033%; 1 homozygote.

Submissions (4):

Labcorp Genetics (formerly Invitae), Labcorp
Classification: Uncertain significance for STING-associated vasculopathy with onset in infancy. Last evaluated: 2025-10-29. Review status: criteria provided, single submitter. Criteria: Invitae Variant Classification Sherloc (09022015). Collection method: clinical testing. Allele origin: germline.
Comment: This sequence change replaces arginine, which is basic and polar, with glutamine, which is neutral and polar, at codon 253 of the TMEM173 protein (p.Arg253Gln). This variant is present in population databases (rs148833313, gnomAD 0.02%). This missense change has been observed in individual(s) with clinical features of STING-associated vasculopathy (internal data). ClinVar contains an entry for this variant (Variation ID: 951442). An algorithm developed to predict the effect of missense changes on protein structure and function outputs the following: PolyPhen-2: "Benign". The glutamine amino acid residue is found in multiple mammalian species, which suggests that this missense change does not adversely affect protein function. In summary, the available evidence is currently insufficient to determine the role of this variant in disease. Therefore, it has been classified as a Variant of Uncertain Significance.

Blueprint Genetics
Classification: Likely benign. Last evaluated: 2024-10-28. Review status: criteria provided, single submitter. Criteria: ACMG Guidelines, 2015. Collection method: clinical testing. Allele origin: germline.

Ambry Genetics
Classification: Uncertain significance for Inborn genetic diseases. Last evaluated: 2022-12-13. Review status: criteria provided, single submitter. Criteria: Ambry Variant Classification Scheme 2023. Collection method: clinical testing. Allele origin: germline.

Genome Diagnostics Laboratory, The Hospital for Sick Children
Classification: Likely benign for Autoinflammatory syndrome. Last evaluated: 2018-06-01. Review status: criteria provided, single submitter. Criteria: ACMG Guidelines, 2015. Collection method: clinical testing. Allele origin: germline. Affected: yes.